The following is an entry in ClinVar:

ClinVar aggregate classification (germline): Uncertain significance. Review status: criteria provided, multiple submitters, no conflicts (2 of 4 stars). 5 submissions from 5 submitters: Uncertain significance (5). Last evaluated 2026-06-10.

Conditions:
Arrhythmogenic cardiomyopathy with wooly hair and keratoderma. Also called: Dilated cardiomyopathy with woolly hair and keratoderma; Arrhythmogenic cardiomyopathy with woolly hair and keratoderma; PALMOPLANTAR KERATODERMA WITH LEFT VENTRICULAR CARDIOMYOPATHY AND WOOLLY HAIR; Carvajal syndrome. Identifiers: Orphanet 65282, MedGen C1854063, MONDO:0011581, OMIM 605676.
Arrhythmogenic right ventricular dysplasia 8 (ARVD8). Also called: Arrhythmogenic Right Ventricular Dysplasia/Cardiomyopathy 8; ARRHYTHMOGENIC RIGHT VENTRICULAR DYSPLASIA, FAMILIAL, 8; ARRHYTHMOGENIC RIGHT VENTRICULAR CARDIOMYOPATHY 8. Identifiers: MedGen C1843896, MONDO:0011831, OMIM 607450.
DSP-related disorder. Also called: DSP-related condition; DSP-related disorders.
Cardiovascular phenotype. Identifiers: MedGen CN230736.
Cardiomyopathy (CMYO). Also called: Cardiomyopathies. Identifiers: Orphanet 167848, MedGen C0878544, MONDO:0004994, HP:0001638. Inheritance: Various modes of inheritance.

Allele frequency attached by ClinVar (database versions not stated): gnomAD 0.00001; gnomAD exomes 0.00001; TOPMed 0.00002; 1000 Genomes Project 0.00020; 1000 Genomes Project 30x 0.00031.

Submissions (5):

PreventionGenetics, part of Exact Sciences
Classification: Uncertain significance for DSP-related condition. Last evaluated: 2026-06-10. Review status: criteria provided, single submitter. Criteria: ACMG Guidelines, 2015. Collection method: clinical testing. Allele origin: germline.
Comment: The DSP c.50T>G variant is predicted to result in the amino acid substitution p.Met17Arg. To our knowledge, this variant has not been reported in the literature. This variant is reported in 0.0020% of alleles in individuals of European (Non-Finnish) descent in gnomAD. At this time, the clinical significance of this variant is uncertain due to the absence of conclusive functional and genetic evidence.

Labcorp Genetics (formerly Invitae), Labcorp
Classification: Uncertain significance for Arrhythmogenic cardiomyopathy with wooly hair and keratoderma; Arrhythmogenic right ventricular dysplasia 8. Last evaluated: 2025-12-01. Review status: criteria provided, single submitter. Criteria: Invitae Variant Classification Sherloc (09022015). Collection method: clinical testing. Allele origin: germline.
Comment: This sequence change replaces methionine, which is neutral and non-polar, with arginine, which is basic and polar, at codon 17 of the DSP protein (p.Met17Arg). This variant is present in population databases (rs559248100, gnomAD 0.002%). This variant has not been reported in the literature in individuals affected with DSP-related conditions. ClinVar contains an entry for this variant (Variation ID: 579313). An algorithm developed to predict the effect of missense changes on protein structure and function (PolyPhen-2) suggests that this variant is likely to be tolerated. In summary, the available evidence is currently insufficient to determine the role of this variant in disease. Therefore, it has been classified as a Variant of Uncertain Significance.

All of Us Research Program, National Institutes of Health
Classification: Uncertain significance for Arrhythmogenic cardiomyopathy with wooly hair and keratoderma. Last evaluated: 2024-02-05. Review status: criteria provided, single submitter. Criteria: ACMG Guidelines, 2015. Collection method: clinical testing. Allele origin: germline. Inheritance: Autosomal dominant inheritance. Observed: 4 variant alleles, 4 heterozygotes.
Comment: This missense variant replaces methionine with arginine at codon 17 of the DSP protein. Computational prediction suggests that this variant may not impact protein structure and function (internally defined REVEL score threshold <= 0.5, PMID: 27666373). To our knowledge, functional studies have not been reported for this variant. This variant has not been reported in individuals affected with DSP-related disorders in the literature. This variant has been identified in 2/228492 chromosomes in the general population by the Genome Aggregation Database (gnomAD). The available evidence is insufficient to determine the role of this variant in disease conclusively. Therefore, this variant is classified as a Variant of Uncertain Significance.

This study involves interpretation of variants in research participants for the purpose of population health screening. Participant phenotype was not available at the time of variant classification. Additional details can be found in publication PMID: 35346344, PMCID: PMC8962531

Color Diagnostics, LLC DBA Color Health
Classification: Uncertain significance for Cardiomyopathy. Last evaluated: 2023-10-25. Review status: criteria provided, single submitter. Criteria: ACMG Guidelines, 2015. Collection method: clinical testing. Allele origin: germline.
Comment: This missense variant replaces methionine with arginine at codon 17 of the DSP protein. Computational prediction suggests that this variant may not impact protein structure and function. To our knowledge, functional studies have not been reported for this variant. This variant has not been reported in individuals affected with DSP-related disorders in the literature. This variant has been identified in 2/228492 chromosomes in the general population by the Genome Aggregation Database (gnomAD). The available evidence is insufficient to determine the role of this variant in disease conclusively. Therefore, this variant is classified as a Variant of Uncertain Significance.

Ambry Genetics
Classification: Uncertain significance for Cardiovascular phenotype. Last evaluated: 2021-07-19. Review status: criteria provided, single submitter. Criteria: Ambry Variant Classification Scheme 2023. Collection method: clinical testing. Allele origin: germline.
Comment: The p.M17R variant (also known as c.50T>G), located in coding exon 1 of the DSP gene, results from a T to G substitution at nucleotide position 50. The methionine at codon 17 is replaced by arginine, an amino acid with similar properties. This amino acid position is well conserved in available vertebrate species. In addition, the in silico prediction for this alteration is inconclusive. Since supporting evidence is limited at this time, the clinical significance of this alteration remains unclear.

NM_004415.4(DSP):c.50T>G (p.Met17Arg)

Genes: DSP (desmoplakin; plus strand), DSP-AS1 (DSP antisense RNA 1; minus strand). Cytogenetic location: 6p24.3.
Variant type: single nucleotide variant.
Coding change: c.50T>G on transcript NM_004415.4 (MANE Select); coding-DNA position 50, T replaced by G.
Protein change: p.Met17Arg; replaces methionine 17 with arginine.
Molecular consequence: missense variant.
Genome position (GRCh38, 1-based): chr6:7,541,965, T>G. VCF-style: chr6-7541965-T-G. GRCh37 (hg19) VCF-style: chr6-7542198-T-G.
Other names: c.50T>G (LRG_423t1, NM_004415.3); c.50T>G, p.Met17Arg (NM_001008844.3, NM_001319034.2); short protein forms M17R.
Identifiers: ClinVar variation 579313 (VCV000579313.13), dbSNP rs559248100, ClinGen allele CA133980064.